The following is an entry in ClinVar:

ClinVar aggregate classification (germline): Uncertain significance (1 of 4 stars; one submission).

Conditions:
Hypermethioninemia with deficiency of S-adenosylhomocysteine hydrolase. Identifiers: Orphanet 88618, MedGen C3151058, MONDO:0013404, OMIM 613752.

Allele frequency attached by ClinVar (database versions not stated): gnomAD 0.00001; TOPMed 0.00001; ExAC 0.00001.
gnomAD v4.1: 15 of 1,613,968 alleles (0.00093%); highest among the groups gnomAD compares: South Asian, 0.0011%; no homozygotes.

Submission:

Labcorp Genetics (formerly Invitae), Labcorp
Classification: Uncertain significance for Hypermethioninemia with deficiency of S-adenosylhomocysteine hydrolase. Last evaluated: 2022-02-04. Review status: criteria provided, single submitter. Criteria: Invitae Variant Classification Sherloc (09022015). Collection method: clinical testing. Allele origin: germline.
Comment: This sequence change replaces alanine, which is neutral and non-polar, with threonine, which is neutral and polar, at codon 315 of the AHCY protein (p.Ala315Thr). This variant is present in population databases (rs761797188, gnomAD 0.01%). This variant has not been reported in the literature in individuals affected with AHCY-related conditions. Algorithms developed to predict the effect of missense changes on protein structure and function are either unavailable or do not agree on the potential impact of this missense change (SIFT: "Not Available"; PolyPhen-2: "Benign"; Align-GVGD: "Not Available"). In summary, the available evidence is currently insufficient to determine the role of this variant in disease. Therefore, it has been classified as a Variant of Uncertain Significance.

NM_000687.4(AHCY):c.943G>A (p.Ala315Thr)

Gene: AHCY (adenosylhomocysteinase; minus strand). Cytogenetic location: 20q11.22.
Variant type: single nucleotide variant.
Coding change: c.943G>A on transcript NM_000687.4 (MANE Select); coding-DNA position 943, G replaced by A.
Protein change: p.Ala315Thr; replaces alanine 315 with threonine.
Molecular consequence: missense variant.
Genome position (GRCh38, 1-based): chr20:34,290,361, C>T on the plus strand (G>A on the coding strand, the complement: AHCY is on the minus strand). VCF-style: chr20-34290361-C-T. GRCh37 (hg19) VCF-style: chr20-32878167-C-T.
Other names: c.859G>A, p.Ala287Thr (NM_001161766.2, NM_001322084.2, NM_001322085.2); c.949G>A, p.Ala317Thr (NM_001322086.2); c.943G>A, p.Ala315Thr (NM_001362750.2); short protein forms A315T, A287T, A317T.
Identifiers: ClinVar variation 1981346 (VCV001981346.4), dbSNP rs761797188, ClinGen allele CA9820837.